The following is an entry in ClinVar:

ClinVar aggregate classification (germline): Pathogenic (1 of 4 stars; one submission).

Conditions:
Fanconi anemia (FA). Also called: Fanconi's anemia. Identifiers: Orphanet 84, MedGen C0015625, MeSH D005199, MONDO:0019391.

Submission:

Labcorp Genetics (formerly Invitae), Labcorp
Classification: Pathogenic for Fanconi anemia. Last evaluated: 2022-07-31. Review status: criteria provided, single submitter. Criteria: Invitae Variant Classification Sherloc (09022015). Collection method: clinical testing. Allele origin: germline.
Comment: For these reasons, this variant has been classified as Pathogenic. This variant has not been reported in the literature in individuals affected with SLX4-related conditions. This variant is not present in population databases (gnomAD no frequency). This sequence change creates a premature translational stop signal (p.Glu419*) in the SLX4 gene. It is expected to result in an absent or disrupted protein product. Loss-of-function variants in SLX4 are known to be pathogenic (PMID: 21240277).

Literature cited by the submitters: PubMed 21240277.

NM_032444.4(SLX4):c.1255G>T (p.Glu419Ter)

Gene: SLX4 (SLX4 structure-specific endonuclease subunit; minus strand). Cytogenetic location: 16p13.3.
Variant type: single nucleotide variant.
Coding change: c.1255G>T on transcript NM_032444.4 (MANE Select); coding-DNA position 1255, G replaced by T.
Protein change: p.Glu419Ter; replaces glutamic acid 419 with a stop codon.
Molecular consequence: nonsense.
Genome position (GRCh38, 1-based): chr16:3,597,908, C>A on the plus strand (G>T on the coding strand, the complement: SLX4 is on the minus strand). VCF-style: chr16-3597908-C-A. GRCh37 (hg19) VCF-style: chr16-3647909-C-A.
Other names: short protein forms E419*.
Identifiers: ClinVar variation 2020867 (VCV002020867.4), dbSNP rs941244697, ClinGen allele CA394529624.